The following is an entry in ClinVar:

NM_006348.5(COG5):c.2479G>C (p.Ala827Pro)

Gene: COG5 (component of oligomeric golgi complex 5; minus strand). Cytogenetic location: 7q22.3.
Variant type: single nucleotide variant.
Coding change: c.2479G>C on transcript NM_006348.5 (MANE Select); coding-DNA position 2479, G replaced by C.
Protein change: p.Ala827Pro; replaces alanine 827 with proline.
Molecular consequence: missense variant.
Genome position (GRCh38, 1-based): chr7:107,203,527, C>G on the plus strand (G>C on the coding strand, the complement: COG5 is on the minus strand). VCF-style: chr7-107203527-C-G. GRCh37 (hg19) VCF-style: chr7-106843972-C-G.
Other names: c.2317G>C, p.Ala773Pro (NM_001379511.1); c.2305G>C, p.Ala769Pro (NM_001379512.1); c.2272G>C, p.Ala758Pro (NM_001379513.1); c.2164G>C, p.Ala722Pro (NM_001379514.1); c.1909G>C, p.Ala637Pro (NM_001379515.1); c.1765G>C, p.Ala589Pro (NM_001379516.1); c.2416G>C, p.Ala806Pro (NM_181733.4); short protein forms A769P, A773P, A589P, A722P, A806P, A827P, A637P, A758P.
Identifiers: ClinVar variation 1420892 (VCV001420892.3), dbSNP rs747809652, ClinGen allele CA4430567.

ClinVar aggregate classification (germline): Uncertain significance (1 of 4 stars; one submission).

Conditions:
COG5-congenital disorder of glycosylation. Also called: COG5-CDG; CONGENITAL DISORDER OF GLYCOSYLATION, TYPE IIi; CDG IIi. Identifiers: Orphanet 263487, MedGen C3150876, MONDO:0013325, OMIM 613612.

Allele frequency attached by ClinVar (database versions not stated): gnomAD exomes below 0.00001 and 0.00002; ExAC 0.00002; TOPMed 0.00004.
gnomAD v4.1: 5 of 1,610,290 alleles (0.00031%); highest among the groups gnomAD compares: Admixed American, 0.0067%; no homozygotes.

Submission:

Labcorp Genetics (formerly Invitae), Labcorp
Classification: Uncertain significance for COG5-congenital disorder of glycosylation. Last evaluated: 2022-03-22. Review status: criteria provided, single submitter. Criteria: Invitae Variant Classification Sherloc (09022015). Collection method: clinical testing. Allele origin: germline.
Comment: This sequence change replaces alanine, which is neutral and non-polar, with proline, which is neutral and non-polar, at codon 858 of the COG5 protein (p.Ala858Pro). This variant is present in population databases (rs747809652, gnomAD 0.009%). This variant has not been reported in the literature in individuals affected with COG5-related conditions. Algorithms developed to predict the effect of missense changes on protein structure and function are either unavailable or do not agree on the potential impact of this missense change (SIFT: "Deleterious"; PolyPhen-2: "Possibly Damaging"; Align-GVGD: "Class C0"). In summary, the available evidence is currently insufficient to determine the role of this variant in disease. Therefore, it has been classified as a Variant of Uncertain Significance.